The following is an entry in ClinVar:

ClinVar aggregate classification (germline): Uncertain significance (1 of 4 stars; one submission).

Conditions:
Malignant hyperthermia, susceptibility to, 1 (MHS1). Also called: Anesthesia related hyperthermia; Malignant hyperpyrexia; Fulminating hyperpyrexia; Pharmacogenic myopathy; RYR1-Related Malignant Hyperthermia Susceptibility; Malignant hyperthermia suceptibility 1. Identifiers: Orphanet 423, MedGen C2930980, MONDO:0007783, OMIM 145600.

Submission:

All of Us Research Program, National Institutes of Health
Classification: Uncertain significance for Malignant hyperthermia, susceptibility to, 1. Last evaluated: 2023-12-18. Review status: criteria provided, single submitter. Criteria: ACMG Guidelines, 2015. Collection method: clinical testing. Allele origin: germline. Inheritance: Autosomal dominant inheritance. Observed: 1 variant allele, 1 heterozygote.
Comment: This missense variant replaces histidine with tyrosine at codon 3030 of the RYR1 protein. Computational prediction suggests that this variant may not impact protein structure and function (internally defined REVEL score threshold <= 0.5, PMID: 27666373). To our knowledge, functional studies have not been reported for this variant. This variant has not been reported in individuals affected with RYR1-related disorders in the literature. This variant has not been identified in the general population by the Genome Aggregation Database (gnomAD). The available evidence is insufficient to determine the role of this variant in disease conclusively. Therefore, this variant is classified as a Variant of Uncertain Significance.

This study involves interpretation of variants in research participants for the purpose of population health screening. Participant phenotype was not available at the time of variant classification. Additional details can be found in publication PMID: 35346344, PMCID: PMC8962531

NM_000540.3(RYR1):c.9088C>T (p.His3030Tyr)

Gene: RYR1 (ryanodine receptor 1; plus strand). Cytogenetic location: 19q13.2.
Variant type: single nucleotide variant.
Coding change: c.9088C>T on transcript NM_000540.3 (MANE Select); coding-DNA position 9088, C replaced by T.
Protein change: p.His3030Tyr; replaces histidine 3030 with tyrosine.
Molecular consequence: missense variant.
Genome position (GRCh38, 1-based): chr19:38,510,747, C>T. VCF-style: chr19-38510747-C-T. GRCh37 (hg19) VCF-style: chr19-39001387-C-T.
Other names: c.9088C>T, p.His3030Tyr (NM_001042723.2); short protein forms H3030Y.
Identifiers: ClinVar variation 3075119 (VCV003075119.1), dbSNP rs2514395371, ClinGen allele CA405683886.